The following is an entry in ClinVar:

ClinVar aggregate classification (germline): Uncertain significance. Review status: criteria provided, multiple submitters, no conflicts (2 of 4 stars). 2 submissions from 2 submitters: Uncertain significance (2). Last evaluated 2023-10-04.

Conditions:
Cardiovascular phenotype. Identifiers: MedGen CN230736.
Hypertrophic cardiomyopathy. Also called: HYPERTROPHIC MYOCARDIOPATHY. Identifiers: Orphanet 217569, MedGen C0007194, MeSH D002312, MONDO:0005045, HP:0001639.

Submissions (2):

Labcorp Genetics (formerly Invitae), Labcorp
Classification: Uncertain significance for Hypertrophic cardiomyopathy. Last evaluated: 2023-10-04. Review status: criteria provided, single submitter. Criteria: Invitae Variant Classification Sherloc (09022015). Collection method: clinical testing. Allele origin: germline.
Comment: This sequence change replaces phenylalanine, which is neutral and non-polar, with leucine, which is neutral and non-polar, at codon 140 of the MYL3 protein (p.Phe140Leu). This variant is not present in population databases (gnomAD no frequency). This variant has not been reported in the literature in individuals affected with MYL3-related conditions. ClinVar contains an entry for this variant (Variation ID: 2452882). An algorithm developed to predict the effect of missense changes on protein structure and function (PolyPhen-2) suggests that this variant is likely to be disruptive. In summary, the available evidence is currently insufficient to determine the role of this variant in disease. Therefore, it has been classified as a Variant of Uncertain Significance.

Ambry Genetics
Classification: Uncertain significance for Cardiovascular phenotype. Last evaluated: 2023-02-19. Review status: criteria provided, single submitter. Criteria: Ambry Variant Classification Scheme 2023. Collection method: clinical testing. Allele origin: germline.
Comment: The p.F140L variant (also known as c.418T>C), located in coding exon 4 of the MYL3 gene, results from a T to C substitution at nucleotide position 418. The phenylalanine at codon 140 is replaced by leucine, an amino acid with highly similar properties. This amino acid position is conserved. In addition, this alteration is predicted to be deleterious by in silico analysis. Since supporting evidence is limited at this time, the clinical significance of this alteration remains unclear.

NM_000258.3(MYL3):c.418T>C (p.Phe140Leu)

Gene: MYL3 (myosin light chain 3; minus strand). Cytogenetic location: 3p21.31.
Variant type: single nucleotide variant.
Coding change: c.418T>C on transcript NM_000258.3 (MANE Select); coding-DNA position 418, T replaced by C.
Protein change: p.Phe140Leu; replaces phenylalanine 140 with leucine.
Molecular consequence: missense variant.
Genome position (GRCh38, 1-based): chr3:46,859,538, A>G on the plus strand (T>C on the coding strand, the complement: MYL3 is on the minus strand). VCF-style: chr3-46859538-A-G. GRCh37 (hg19) VCF-style: chr3-46901028-A-G.
Other names: c.418T>C, p.Phe140Leu (NM_001406937.1, NM_001406938.1, NM_001406939.1); c.244T>C, p.Phe82Leu (NM_001406940.1, NM_001406941.1); short protein forms F140L, F82L.
Identifiers: ClinVar variation 2452882 (VCV002452882.5), dbSNP rs2544965109, ClinGen allele CA352496105.